The following is an entry in ClinVar:

ClinVar aggregate classification (germline): Uncertain significance (1 of 4 stars; one submission).

Conditions:
Combined immunodeficiency due to ZAP70 deficiency (IMD48). Also called: ZAP70 Deficiency; Immunodeficiency 48. Identifiers: Orphanet 911, MedGen C2931299, MONDO:0010023, OMIM 269840.

Allele frequency attached by ClinVar (database versions not stated): gnomAD exomes 0.00001; TOPMed below 0.00001.
gnomAD v4.1: 10 of 1,613,890 alleles (0.00062%); highest among the groups gnomAD compares: Non-Finnish European, 0.00085%; no homozygotes.

Submission:

Labcorp Genetics (formerly Invitae), Labcorp
Classification: Uncertain significance for Combined immunodeficiency due to ZAP70 deficiency. Last evaluated: 2019-01-29. Review status: criteria provided, single submitter. Criteria: Invitae Variant Classification Sherloc (09022015). Collection method: clinical testing. Allele origin: germline.
Comment: This sequence change replaces aspartic acid with glycine at codon 365 of the ZAP70 protein (p.Asp365Gly). The aspartic acid residue is highly conserved and there is a moderate physicochemical difference between aspartic acid and glycine. This variant is not present in population databases (ExAC no frequency). This variant has not been reported in the literature in individuals with ZAP70-related conditions. Algorithms developed to predict the effect of missense changes on protein structure and function are either unavailable or do not agree on the potential impact of this missense change (SIFT: "Deleterious"; PolyPhen-2: "Probably Damaging"; Align-GVGD: "Class C0"). In summary, the available evidence is currently insufficient to determine the role of this variant in disease. Therefore, it has been classified as a Variant of Uncertain Significance.

NM_001079.4(ZAP70):c.1094A>G (p.Asp365Gly)

Gene: ZAP70 (zeta chain of T cell receptor associated protein kinase 70; plus strand). Cytogenetic location: 2q11.2.
Variant type: single nucleotide variant.
Coding change: c.1094A>G on transcript NM_001079.4 (MANE Select); coding-DNA position 1094, A replaced by G.
Protein change: p.Asp365Gly; replaces aspartic acid 365 with glycine.
Molecular consequence: missense variant.
Genome position (GRCh38, 1-based): chr2:97,735,261, A>G. VCF-style: chr2-97735261-A-G. GRCh37 (hg19) VCF-style: chr2-98351724-A-G.
Other names: c.1094A>G, p.Asp365Gly (NM_001378594.1); c.173A>G, p.Asp58Gly (NM_207519.2); short protein forms D58G, D365G.
Identifiers: ClinVar variation 847196 (VCV000847196.7), dbSNP rs1208694003, ClinGen allele CA347801278.